The following is an entry in ClinVar:

ClinVar aggregate classification (germline): Benign. Review status: criteria provided, multiple submitters, no conflicts (2 of 4 stars). 3 submissions from 3 submitters: Benign (3). Last evaluated 2018-06-19.

Conditions:
Neuronal ceroid lipofuscinosis 1 (CLN1). Also called: CEROID LIPOFUSCINOSIS, NEURONAL, 1, VARIABLE AGE AT ONSET; PPT1-Related Neuronal Ceroid-Lipofuscinosis. Identifiers: Orphanet 228329, MedGen C1850451, MONDO:0009744, OMIM 256730.

Allele frequency attached by ClinVar (database versions not stated): gnomAD exomes 0.09098; TOPMed 0.11258; gnomAD 0.11358 and 0.11619; 1000 Genomes Project 30x 0.15131; 1000 Genomes Project 0.15136.
gnomAD v4.1: 91,333 of 961,928 alleles (9.5%); highest among the groups gnomAD compares: South Asian, 19%; 5,489 homozygotes.

Submissions (3):

GeneDx
Classification: Benign. Last evaluated: 2018-06-19. Review status: criteria provided, single submitter. Criteria: GeneDx Variant Classification Process June 2021. Collection method: clinical testing. Allele origin: germline. Affected: yes.

Illumina Laboratory Services, Illumina
Classification: Benign for Neuronal ceroid lipofuscinosis 1. Last evaluated: 2018-01-12. Review status: criteria provided, single submitter. Criteria: ICSL Variant Classification Criteria 13 December 2019. Collection method: clinical testing. Allele origin: germline.
Comment: This variant was observed in the ICSL laboratory as part of a predisposition screen in an ostensibly healthy population. It had not been previously curated by ICSL or reported in the Human Gene Mutation Database (HGMD: prior to June 1st, 2018), and was therefore a candidate for classification through an automated scoring system. Utilizing variant allele frequency, disease prevalence and penetrance estimates, and inheritance mode, an automated score was calculated to assess if this variant is too frequent to cause the disease. Based on the score and internal cut-off values, a variant classified as benign is not then subjected to further curation. The score for this variant resulted in a classification of benign for this disease.

Breakthrough Genomics
Classification: Benign. Review status: criteria provided, single submitter. Criteria: ACMG Guidelines, 2015. Collection method: not provided. Allele origin: germline. Inheritance: Autosomal recessive inheritance. Affected: yes.

NM_000310.4(PPT1):c.*161T>C

Gene: PPT1 (palmitoyl-protein thioesterase 1; minus strand). Cytogenetic location: 1p34.2.
Variant type: single nucleotide variant.
Coding change: c.*161T>C on transcript NM_000310.4 (MANE Select); 161 bases downstream of the stop codon, T replaced by C.
Molecular consequence: 3 prime UTR variant.
Genome position (GRCh38, 1-based): chr1:40,073,900, A>G on the plus strand (T>C on the coding strand, the complement: PPT1 is on the minus strand). VCF-style: chr1-40073900-A-G. GRCh37 (hg19) VCF-style: chr1-40539572-A-G.
Other names: c.*161T>C (NM_001142604.2, NM_001363695.2).
Identifiers: ClinVar variation 297242 (VCV000297242.7), dbSNP rs11552578, ClinGen allele CA10609892.
Genomic context (GRCh38, chr1:40,073,900, plus strand): 5'-ATCTCCATGGTAATTAAACTTGCATTCAACACCATATGGTAACAGAAGATGGCAAAGGAT[A>G]AGATTCAGATCTTAGATCTTTCCAAGTAGGGCATGTTAGATGATAGAAGGATTAGTTGCA-3'